The following is an entry in ClinVar:

NM_152703.5(SAMD9L):c.3593T>C (p.Leu1198Ser)

Gene: SAMD9L (sterile alpha motif domain containing 9 like; minus strand). Cytogenetic location: 7q21.2.
Variant type: single nucleotide variant.
Coding change: c.3593T>C on transcript NM_152703.5 (MANE Select); coding-DNA position 3593, T replaced by C.
Protein change: p.Leu1198Ser; replaces leucine 1198 with serine.
Molecular consequence: missense variant.
Genome position (GRCh38, 1-based): chr7:93,132,379, A>G on the plus strand (T>C on the coding strand, the complement: SAMD9L is on the minus strand). VCF-style: chr7-93132379-A-G. GRCh37 (hg19) VCF-style: chr7-92761692-A-G.
Other names: c.3593T>C, p.Leu1198Ser (NM_001303496.3, NM_001303497.3, NM_001303498.3 and 5 more transcripts); c.3593T>C (NM_152703.2); short protein forms L1198S.
Identifiers: ClinVar variation 1806499 (VCV001806499.4), dbSNP rs1374575845, ClinGen allele CA368181371.

ClinVar aggregate classification (germline): Uncertain significance. Review status: criteria provided, multiple submitters, no conflicts (2 of 4 stars). 3 submissions from 3 submitters: Uncertain significance (3). Last evaluated 2025-01-06.

Conditions:
Inborn genetic diseases. Identifiers: MedGen C0950123, MeSH D030342.

Allele frequency attached by ClinVar (database versions not stated): TOPMed below 0.00001; gnomAD 0.00001.
gnomAD v4.1: 1 of 1,613,824 alleles (0.000062%); highest among the groups gnomAD compares: Admixed American, 0.0017%; no homozygotes.

Submissions (3):

Ambry Genetics
Classification: Uncertain significance for Inborn genetic diseases. Last evaluated: 2025-01-06. Review status: criteria provided, single submitter. Criteria: Ambry Variant Classification Scheme 2023. Collection method: clinical testing. Allele origin: germline.
Comment: The p.L1198S variant (also known as c.3593T>C), located in coding exon 1 of the SAMD9L gene, results from a T to C substitution at nucleotide position 3593. The leucine at codon 1198 is replaced by serine, an amino acid with dissimilar properties. This amino acid position is conserved. In addition, this alteration is predicted to be tolerated by in silico analysis. Based on the available evidence, the clinical significance of this variant remains unclear.

Labcorp Genetics (formerly Invitae), Labcorp
Classification: Uncertain significance. Last evaluated: 2024-12-12. Review status: criteria provided, single submitter. Criteria: Invitae Variant Classification Sherloc (09022015). Collection method: clinical testing. Allele origin: germline.
Comment: This sequence change replaces leucine, which is neutral and non-polar, with serine, which is neutral and polar, at codon 1198 of the SAMD9L protein (p.Leu1198Ser). This variant is not present in population databases (gnomAD no frequency). This variant has not been reported in the literature in individuals affected with SAMD9L-related conditions. ClinVar contains an entry for this variant (Variation ID: 1806499). Invitae Evidence Modeling of protein sequence and biophysical properties (such as structural, functional, and spatial information, amino acid conservation, physicochemical variation, residue mobility, and thermodynamic stability) indicates that this missense variant is not expected to disrupt SAMD9L protein function with a negative predictive value of 80%. In summary, the available evidence is currently insufficient to determine the role of this variant in disease. Therefore, it has been classified as a Variant of Uncertain Significance.

GeneDx
Classification: Uncertain significance. Last evaluated: 2022-06-23. Review status: criteria provided, single submitter. Criteria: GeneDx Variant Classification Process June 2021. Collection method: clinical testing. Allele origin: germline. Affected: yes.
Comment: Not observed at significant frequency in large population cohorts (gnomAD); In silico analysis supports that this missense variant does not alter protein structure/function; Has not been previously published as pathogenic or benign to our knowledge